The following is an entry in ClinVar:

NM_000829.4(GRIA4):c.1953G>T (p.Met651Ile)

Gene: GRIA4 (glutamate ionotropic receptor AMPA type subunit 4; plus strand). Cytogenetic location: 11q22.3.
Variant type: single nucleotide variant.
Coding change: c.1953G>T on transcript NM_000829.4 (MANE Select); coding-DNA position 1953, G replaced by T.
Protein change: p.Met651Ile; replaces methionine 651 with isoleucine.
Molecular consequence: missense variant. On other transcripts: non-coding transcript variant (1), intron variant (2).
Genome position (GRCh38, 1-based): chr11:105,926,846, G>T. VCF-style: chr11-105926846-G-T. GRCh37 (hg19) VCF-style: chr11-105797572-G-T.
Other names: c.1953G>T, p.Met651Ile (NM_001077243.3, NM_001440382.1, NM_001440383.1 and 10 more transcripts); c.1932G>T, p.Met644Ile (NM_001440388.1, NM_001440389.1, NM_001440390.1); c.1746G>T, p.Met582Ile (NM_001440394.1); c.1455+7949G>T (NM_001440398.1); c.1158+21545G>T (NM_001440399.1); short protein forms M582I, M644I, M651I.
Identifiers: ClinVar variation 4884479 (VCV004884479.1).

ClinVar aggregate classification (germline): Uncertain significance (1 of 4 stars; one submission).

Conditions:
Neurodevelopmental disorder with or without seizures and gait abnormalities. Identifiers: MedGen C4693391, MONDO:0060641, OMIM 617864.

gnomAD v4.1: 1 of 1,610,552 alleles (0.000062%); highest among the groups gnomAD compares: South Asian, 0.0011%; no homozygotes.

Submission:

Diagnostics Services (NGS), CSIR - Centre For Cellular And Molecular Biology
Classification: Uncertain significance for Neurodevelopmental disorder with or without seizures and gait abnormalities. Last evaluated: 2026-07-10. Review status: criteria provided, single submitter. Criteria: ACMG Guidelines, 2015. Collection method: clinical testing. Allele origin: germline. Affected: yes. Observed: 1 variant allele, 1 heterozygote.
Comment: The c.1953G>T variant is not present in publicly available population databases like 1000 Genome, EVS, gnomAD, Indian Exome Database or in our internal database. This variant has neither been published in the literature for GRIA4-related conditions nor reported to clinical databases like Human Genome Mutation database (HGMD), OMIM, or ClinVar in any affected individuals. In-silico pathogenicity prediction programs like SIFT4G, Polyphen-2, MutationTaster2021, CADD, Franklin, Varsome, etc predicted this variant to be likely deleterious, however these predictions were not confirmed by published functional studies. This variant is present in a mutational hotspot region of the gene.